The following is an entry in ClinVar:

NM_018006.5(TRMU):c.1154G>A (p.Arg385Gln)

Gene: TRMU (tRNA mitochondrial 2-thiouridylase; plus strand). Cytogenetic location: 22q13.31.
Variant type: single nucleotide variant.
Coding change: c.1154G>A on transcript NM_018006.5 (MANE Select); coding-DNA position 1154, G replaced by A.
Protein change: p.Arg385Gln; replaces arginine 385 with glutamine.
Molecular consequence: missense variant. On other transcripts: synonymous variant (2), non-coding transcript variant (2).
Genome position (GRCh38, 1-based): chr22:46,356,894, G>A. VCF-style: chr22-46356894-G-A. GRCh37 (hg19) VCF-style: chr22-46752791-G-A.
Other names: c.812G>A, p.Arg271Gln (NM_001282782.2); c.734G>A, p.Arg245Gln (NM_001282783.2); c.651G>A, p.Ala217= (NM_001282784.2); c.1071G>A, p.Ala357= (NM_001282785.2); short protein forms R385Q, R271Q, R245Q.
Identifiers: ClinVar variation 596887 (VCV000596887.9), dbSNP rs373471059, ClinGen allele CA10292457.
Genomic context (GRCh38, chr22:46,356,894, plus strand): 5'-CCCTACAGTTTGCTGTGTTCTACAAGGGGGACGAGTGCCTGGGCAGCGGGAAGATCCTGC[G>A]GCTGGGGCCGTCTGCCTACACGCTCCAGAAGGGCCAGCGCAGAGCTGGGATGGCCACTGA-3'
Protein context (NP_060476.2, residues 375-395): DECLGSGKIL[Arg385Gln]LGPSAYTLQK

ClinVar aggregate classification (germline): Uncertain significance. Review status: criteria provided, multiple submitters, no conflicts (2 of 4 stars). 3 submissions from 3 submitters: Uncertain significance (3). Last evaluated 2022-05-17.

Allele frequency attached by ClinVar (database versions not stated): TOPMed 0.00002; gnomAD exomes 0.00006; ExAC 0.00004; 1000 Genomes Project 30x 0.00031; ESP Exome Variant Server 0.00008.
gnomAD v4.1: 39 of 1,613,306 alleles (0.0024%); highest among the groups gnomAD compares: East Asian, 0.016%; 1 homozygote.

Submissions (3):

Labcorp Genetics (formerly Invitae), Labcorp
Classification: Uncertain significance. Last evaluated: 2022-05-17. Review status: criteria provided, single submitter. Criteria: Invitae Variant Classification Sherloc (09022015). Collection method: clinical testing. Allele origin: germline.
Comment: This sequence change replaces arginine, which is basic and polar, with glutamine, which is neutral and polar, at codon 385 of the TRMU protein (p.Arg385Gln). This variant is present in population databases (rs373471059, gnomAD 0.03%). This variant has not been reported in the literature in individuals affected with TRMU-related conditions. ClinVar contains an entry for this variant (Variation ID: 596887). Algorithms developed to predict the effect of missense changes on protein structure and function (SIFT, PolyPhen-2, Align-GVGD) all suggest that this variant is likely to be tolerated. In summary, the available evidence is currently insufficient to determine the role of this variant in disease. Therefore, it has been classified as a Variant of Uncertain Significance.

Genomic Research Center, Shahid Beheshti University of Medical Sciences
Classification: Uncertain significance. Last evaluated: 2020-05-03. Review status: criteria provided, single submitter. Criteria: ACMG Guidelines, 2015. Collection method: clinical testing. Allele origin: unknown. Affected: no.

Eurofins Ntd Llc (ga)
Classification: Uncertain significance. Last evaluated: 2018-04-19. Review status: criteria provided, single submitter. Criteria: EGL ClinVar v180209 classification definitions. Collection method: clinical testing. Allele origin: germline. Observed: 1 variant allele, 1 heterozygote.